The following is an entry in ClinVar:

NM_000158.4(GBE1):c.640G>A (p.Ala214Thr)

Gene: GBE1 (1,4-alpha-glucan branching enzyme 1; minus strand). Cytogenetic location: 3p12.2.
Variant type: single nucleotide variant.
Coding change: c.640G>A on transcript NM_000158.4 (MANE Select); coding-DNA position 640, G replaced by A.
Protein change: p.Ala214Thr; replaces alanine 214 with threonine.
Molecular consequence: missense variant.
Genome position (GRCh38, 1-based): chr3:81,648,907, C>T on the plus strand (G>A on the coding strand, the complement: GBE1 is on the minus strand). VCF-style: chr3-81648907-C-T. GRCh37 (hg19) VCF-style: chr3-81698058-C-T.
Other names: p.Ala214Thr; short protein forms A214T.
Identifiers: ClinVar variation 740285 (VCV000740285.20), dbSNP rs201166587, ClinGen allele CA2499904.
Genomic context (GRCh38, chr3:81,648,907, plus strand): 5'-ATTACTTACCAAGGCCTTTGATTCTTGGTAGTACATTGCATGTAAAATGTTTATAAGAAG[C>T]TACTTTTCCTTCATGGGAAGAAATTCCCACATGAGATTCATAAATTCTTAGACTCCGTGG-3'
Protein context (NP_000149.4, residues 204-224): VGISSHEGKV[Ala214Thr]SYKHFTCNVL

ClinVar aggregate classification (germline): Benign/Likely benign. Review status: criteria provided, multiple submitters, no conflicts (2 of 4 stars). 8 submissions from 7 submitters: Benign (3); Likely benign (3). 2 of the submissions do not count toward it. Last evaluated 2026-01-13.

Conditions:
Adult polyglucosan body disease (APBN). Also called: POLYGLUCOSAN BODY DISEASE, ADULT FORM; GBE1-Adult Polyglucosan Body Disease. Identifiers: Orphanet 206583, MedGen C1849722, MONDO:0009897, OMIM 263570.
GBE1-related disorder. Also called: GBE1-related condition; GBE1-related disorders. Identifiers: MedGen CN239402.
Glycogen storage disease, type IV (GSD4). Also called: AMYLOPECTINOSIS; ANDERSEN DISEASE; BRANCHER DEFICIENCY; CIRRHOSIS, FAMILIAL, WITH DEPOSITION OF ABNORMAL GLYCOGEN; GBE1 DEFICIENCY; GLYCOGEN BRANCHING ENZYME DEFICIENCY. Identifiers: Orphanet 367, MedGen C0017923, MONDO:0009292, OMIM 232500.
Glycogen storage disease IV, classic hepatic. Also called: GSD IV, CLASSIC HEPATIC. Identifiers: MedGen C1856301.

Allele frequency attached by ClinVar (database versions not stated): 1000 Genomes Project 30x 0.00016; gnomAD 0.00019; 1000 Genomes Project 0.00020; TOPMed 0.00021; ExAC 0.00028; gnomAD exomes 0.00036.
gnomAD v4.1: 306 of 1,586,482 alleles (0.019%); highest among the groups gnomAD compares: Middle Eastern, 0.017%; 1 homozygote.

Submissions (9):

Labcorp Genetics (formerly Invitae), Labcorp
Classification: Benign for Glycogen storage disease, type IV; Glycogen storage disease IV, classic hepatic. Last evaluated: 2026-01-13. Review status: criteria provided, single submitter. Criteria: Invitae Variant Classification Sherloc (09022015). Collection method: clinical testing. Allele origin: germline.

Mayo Clinic Laboratories, Mayo Clinic
Classification: Likely benign. Last evaluated: 2025-12-11. Review status: criteria provided, single submitter. Criteria: ACMG Guidelines, 2015. Collection method: clinical testing. Allele origin: germline. Observed: 1 variant allele.
Comment: BS1, BP2

Blueprint Genetics
Classification: Likely benign. Last evaluated: 2024-09-02. Review status: criteria provided, single submitter. Criteria: ACMG Guidelines, 2015. Collection method: clinical testing. Allele origin: germline.

GeneDx
Classification: Benign. Last evaluated: 2020-03-10. Review status: criteria provided, single submitter. Criteria: GeneDx Variant Classification Process June 2021. Collection method: clinical testing. Allele origin: germline. Affected: yes.
Comment: This variant is associated with the following publications: (PMID: 20058079)

Illumina Laboratory Services, Illumina
Classification: Benign for Glycogen storage disease, type IV. Last evaluated: 2017-05-15. Review status: criteria provided, single submitter. Criteria: ICSL Variant Classification Criteria 13 December 2019. Collection method: clinical testing. Allele origin: germline.
Comment: This variant was observed as part of a predisposition screen in an ostensibly healthy population. A literature search was performed for the gene, cDNA change, and amino acid change (where applicable). Publications were found based on this search. The evidence from the literature, in combination with allele frequency data from public databases where available, was sufficient to rule this variant out of causing disease. Therefore, this variant is classified as benign.

Illumina Laboratory Services, Illumina
Classification: Likely benign for Adult polyglucosan body disease. Last evaluated: 2017-05-09. Review status: criteria provided, single submitter. Criteria: ICSL Variant Classification Criteria 13 December 2019. Collection method: clinical testing. Allele origin: germline.
Comment: This variant was observed as part of a predisposition screen in an ostensibly healthy population. A literature search was performed for the gene, cDNA change, and amino acid change (where applicable). No publications were found based on this search. Allele frequency data from public databases allowed determination this variant is unlikely to cause disease. Therefore, this variant is classified as likely benign.

Natera, Inc.
Classification: Benign for Glycogen storage disease type IV. Last evaluated: 2019-12-31. Review status: no assertion criteria provided. Collection method: clinical testing. Allele origin: germline. Not counted in ClinVar's aggregate classification.

PreventionGenetics, part of Exact Sciences
Classification: Benign for GBE1-related condition. Last evaluated: 2019-07-23. Review status: no assertion criteria provided. Collection method: clinical testing. Allele origin: germline. Not counted in ClinVar's aggregate classification.
Comment: This variant is classified as benign based on ACMG/AMP sequence variant interpretation guidelines (Richards et al. 2015 PMID: 25741868, with internal and published modifications).

Dr. Peter K. Rogan Lab, Western University
No classification provided (evidence only). Condition: Ovarian serous cystadenocarcinoma. Review status: no classification provided. Collection method: in vitro. Allele origin: not applicable. Functional consequence: retained intron. Not counted in ClinVar's aggregate classification.

Literature cited by the submitters: PubMed 8613547 (cited by Mayo Clinic Laboratories, Mayo Clinic and Illumina Laboratory Services, Illumina); PubMed 11949934 (cited by Illumina Laboratory Services, Illumina); PubMed 20058079 (cited by Illumina Laboratory Services, Illumina).